The following is an entry in ClinVar:

ClinVar aggregate classification (germline): Benign. Review status: criteria provided, multiple submitters, no conflicts (2 of 4 stars). 4 submissions from 4 submitters: Benign (3). 1 of the submissions does not count toward it. Last evaluated 2025-01-30.

Conditions:
Primary ciliary dyskinesia 30. Also called: CILIARY DYSKINESIA, PRIMARY, 30, WITH OR WITHOUT SITUS INVERSUS. Identifiers: Orphanet 244, MedGen C4015016, MONDO:0014465, OMIM 616037.
ODAD3-related disorder. Also called: ODAD3-related condition.

Allele frequency attached by ClinVar (database versions not stated): ExAC 0.00165; gnomAD 0.01736 and 0.01869; 1000 Genomes Project 30x 0.02077; 1000 Genomes Project 0.02097; gnomAD exomes 0.00168 and 0.00390; TOPMed 0.01968.
gnomAD v4.1: 4,714 of 1,352,920 alleles (0.35%); highest among the groups gnomAD compares: African/African-American, 6.1%; 145 homozygotes.

Submissions (4):

ARUP Laboratories, Molecular Genetics and Genomics, ARUP Laboratories
Classification: Benign for Primary ciliary dyskinesia 30. Last evaluated: 2025-01-30. Review status: criteria provided, single submitter. Criteria: ARUP Molecular Germline Variant Investigation Process 2024. Collection method: clinical testing. Allele origin: germline.

GeneDx
Classification: Benign. Last evaluated: 2018-07-05. Review status: criteria provided, single submitter. Criteria: GeneDx Variant Classification Process June 2021. Collection method: clinical testing. Allele origin: germline. Affected: yes.

Breakthrough Genomics
Classification: Benign. Review status: criteria provided, single submitter. Criteria: ACMG Guidelines, 2015. Collection method: not provided. Allele origin: germline. Inheritance: Autosomal dominant inheritance. Affected: yes.

PreventionGenetics, part of Exact Sciences
Classification: Benign for ODAD3-related condition. Last evaluated: 2019-05-06. Review status: no assertion criteria provided. Collection method: clinical testing. Allele origin: germline. Not counted in ClinVar's aggregate classification.
Comment: This variant is classified as benign based on ACMG/AMP sequence variant interpretation guidelines (Richards et al. 2015 PMID: 25741868, with internal and published modifications).

NM_001289104.2(PRKCSH):c.-78+38T>C

Genes: ODAD3 (outer dynein arm docking complex subunit 3; minus strand), PRKCSH (PRKCSH beta subunit of glucosidase II; plus strand). Cytogenetic location: 19p13.2.
Variant type: single nucleotide variant.
Coding change: c.-78+38T>C on transcript NM_001289104.2 (MANE Select); 38 bases into the intron after 78 bases upstream of the start codon, T replaced by C.
Molecular consequence: intron variant. On other transcripts: missense variant (1).
Genome position (GRCh38, 1-based): chr19:11,435,744, T>C. VCF-style: chr19-11435744-T-C. GRCh37 (hg19) VCF-style: chr19-11546565-T-C.
Other names: c.28A>G, p.Lys10Glu (NM_001302453.1); c.-78+34T>C (NM_001289103.2, NM_001379609.1, NM_001379608.1); c.-78+38T>C (NM_001001329.3, NM_002743.3); short protein forms K10E.
Identifiers: ClinVar variation 1224193 (VCV001224193.13), dbSNP rs160913, ClinGen allele CA9212609.